The following is an entry in ClinVar:

NM_014611.3(MDN1):c.11719+9T>G

Genes: MDN1 (midasin AAA ATPase 1; minus strand), MDN1-AS1 (MDN1 antisense RNA 1; plus strand). Cytogenetic location: 6q15.
Variant type: single nucleotide variant.
Coding change: c.11719+9T>G on transcript NM_014611.3 (MANE Select); 9 bases into the intron after coding-DNA position 11719, T replaced by G.
Molecular consequence: intron variant. On other transcripts: non-coding transcript variant (1).
Genome position (GRCh38, 1-based): chr6:89,685,818, A>C on the plus strand (T>G on the coding strand, the complement: MDN1 is on the minus strand). VCF-style: chr6-89685818-A-C. GRCh37 (hg19) VCF-style: chr6-90395537-A-C.
Identifiers: ClinVar variation 3052319 (VCV003052319.2), dbSNP rs558485142, ClinGen allele CA3923257.

ClinVar aggregate classification (germline): Likely benign (0 of 4 stars; one submission).

Conditions:
MDN1-related disorder. Also called: MDN1-related condition.

Allele frequency attached by ClinVar (database versions not stated): gnomAD exomes 0.00001; ExAC 0.00003; gnomAD 0.00003; TOPMed 0.00003; 1000 Genomes Project 30x 0.00078; 1000 Genomes Project 0.00100.
gnomAD v4.1: 13 of 1,609,724 alleles (0.00081%); highest among the groups gnomAD compares: East Asian, 0.029%; no homozygotes.

Submission:

PreventionGenetics, part of Exact Sciences
Classification: Likely benign for MDN1-related condition. Last evaluated: 2019-08-21. Review status: no assertion criteria provided. Collection method: clinical testing. Allele origin: germline.
Comment: This variant is classified as likely benign based on ACMG/AMP sequence variant interpretation guidelines (Richards et al. 2015 PMID: 25741868, with internal and published modifications).